The following is an entry in ClinVar:

ClinVar aggregate classification (germline): Uncertain significance (1 of 4 stars; one submission).

gnomAD v4.1: 4 of 1,614,144 alleles (0.00025%); no homozygotes.

Submission:

Dasa
Classification: Uncertain significance. Last evaluated: 2026-07-04. Review status: criteria provided, single submitter. Criteria: DASA Assertion Criteria. Collection method: clinical testing. Allele origin: germline.
Comment: NM_006734.4(HIVEP2):c.6794G>A (p.Gly2265Asp) is a missense variant that results in the substitution of glycine with aspartic acid. This variant is rare in population databases. Computational prediction algorithms are consistent with a benign effect. The currently available literature and clinical evidence are not sufficient to establish a definitive association between this variant and the reported condition. Therefore, this variant is classified as a variant of uncertain significance.

NM_006734.4(HIVEP2):c.6794G>A (p.Gly2265Asp)

Gene: HIVEP2 (HIVEP zinc finger 2; minus strand). Cytogenetic location: 6q24.2.
Variant type: single nucleotide variant.
Coding change: c.6794G>A on transcript NM_006734.4 (MANE Select); coding-DNA position 6794, G replaced by A.
Protein change: p.Gly2265Asp; replaces glycine 2265 with aspartic acid.
Molecular consequence: missense variant.
Genome position (GRCh38, 1-based): chr6:142,753,654, C>T on the plus strand (G>A on the coding strand, the complement: HIVEP2 is on the minus strand). VCF-style: chr6-142753654-C-T. GRCh37 (hg19) VCF-style: chr6-143074791-C-T.
Other names: c.6794G>A, p.Gly2265Asp (NM_001438449.1, NM_001438450.1, NM_001438451.1); short protein forms G2265D.
Identifiers: ClinVar variation 5020255 (VCV005020255.1).